The following is an entry in ClinVar:

NM_024690.2(MUC16):c.39581T>C (p.Ile13194Thr)

Gene: MUC16 (mucin 16, cell surface associated; minus strand). Cytogenetic location: 19p13.2.
Variant type: single nucleotide variant.
Coding change: c.39581T>C on transcript NM_024690.2; coding-DNA position 39581, T replaced by C.
Protein change: p.Ile13194Thr; replaces isoleucine 13194 with threonine.
Molecular consequence: missense variant.
Genome position (GRCh38, 1-based): chr19:8,895,991, A>G on the plus strand (T>C on the coding strand, the complement: MUC16 is on the minus strand). VCF-style: chr19-8895991-A-G. GRCh37 (hg19) VCF-style: chr19-9006667-A-G.
Other names: short protein forms I13194T.
Identifiers: ClinVar variation 3044571 (VCV003044571.2), dbSNP rs75101943, ClinGen allele CA9163977.
Genomic context (GRCh38, chr19:8,895,991, plus strand): 5'-TGGATAGGGCAGAGTGAGATAGGTGGGGCTCTTACCAGACCCTGCAGAACACTCTCCGTG[A>G]TGTTGAACTTCCTGGAGCCAGGGTGACCCATGTTCTCCTCATACTGTAGGTTAGTGATGG-3'

ClinVar aggregate classification (germline): Likely benign (0 of 4 stars; one submission).

Conditions:
MUC16-related disorder. Also called: MUC16-related condition.

Allele frequency attached by ClinVar (database versions not stated): 1000 Genomes Project 30x 0.00656; gnomAD exomes 0.00002.

Submission:

PreventionGenetics, part of Exact Sciences
Classification: Likely benign for MUC16-related condition. Last evaluated: 2022-07-06. Review status: no assertion criteria provided. Collection method: clinical testing. Allele origin: germline.
Comment: This variant is classified as likely benign based on ACMG/AMP sequence variant interpretation guidelines (Richards et al. 2015 PMID: 25741868, with internal and published modifications).